The following is an entry in ClinVar:

ClinVar aggregate classification (germline): Benign/Likely benign. Review status: criteria provided, multiple submitters, no conflicts (2 of 4 stars). 3 submissions from 3 submitters: Benign (1); Likely benign (2). Last evaluated 2025-06-25.

Conditions:
FLNC-related disorder. Also called: FLNC-related condition; FLNC-related disorders.
Distal myopathy with posterior leg and anterior hand involvement. Also called: WILLIAMS DISTAL MYOPATHY. Identifiers: Orphanet 63273, MedGen C3279722, MONDO:0013550, OMIM 614065.
Myofibrillar myopathy 5. Also called: Filaminopathy (type); FILAMINOPATHY, AUTOSOMAL DOMINANT. Identifiers: Orphanet 171445, MedGen C1836050, MONDO:0012289, OMIM 609524.
Hypertrophic cardiomyopathy 26. Also called: Cardiomyopathy, familial hypertrophic, 26. Identifiers: Orphanet 75249, MedGen C4310749, MONDO:0014883, OMIM 617047.

Allele frequency attached by ClinVar (database versions not stated): ExAC 0.00001; gnomAD exomes 0.00001.

Submissions (3):

Labcorp Genetics (formerly Invitae), Labcorp
Classification: Benign for Distal myopathy with posterior leg and anterior hand involvement; Myofibrillar myopathy 5; Hypertrophic cardiomyopathy 26. Last evaluated: 2025-06-25. Review status: criteria provided, single submitter. Criteria: Invitae Variant Classification Sherloc (09022015). Collection method: clinical testing. Allele origin: germline.

Molecular Diagnostic Laboratory for Inherited Cardiovascular Disease, Montreal Heart Institute
Classification: Likely benign. Last evaluated: 2025-04-09. Review status: criteria provided, single submitter. Criteria: ACMG Guidelines, 2015. Collection method: clinical testing. Allele origin: germline. Affected: no.

PreventionGenetics, part of Exact Sciences
Classification: Likely benign for FLNC-related condition. Last evaluated: 2025-03-14. Review status: criteria provided, single submitter. Criteria: ACMG Guidelines, 2015. Collection method: clinical testing. Allele origin: germline.
Comment: This variant is classified as likely benign based on ACMG/AMP sequence variant interpretation guidelines (Richards et al. 2015 PMID: 25741868, with internal and published modifications).

NM_001458.5(FLNC):c.6990C>T (p.Gly2330=)

Genes: FLNC (filamin C; plus strand), FLNC-AS1 (FLNC antisense RNA 1; minus strand). Cytogenetic location: 7q32.1.
Variant type: single nucleotide variant.
Coding change: c.6990C>T on transcript NM_001458.5 (MANE Select); coding-DNA position 6990, C replaced by T.
Protein change: p.Gly2330=; no amino-acid change (glycine 2330 retained).
Molecular consequence: synonymous variant.
Genome position (GRCh38, 1-based): chr7:128,854,675, C>T. VCF-style: chr7-128854675-C-T. GRCh37 (hg19) VCF-style: chr7-128494729-C-T.
Other names: c.6891C>T, p.Gly2297= (NM_001127487.2).
Identifiers: ClinVar variation 1954471 (VCV001954471.7), dbSNP rs113579230, ClinGen allele CA4476126.
Genomic context (GRCh38, chr7:128,854,675, plus strand): 5'-TGAAGGTGGTGCCCACAAGGTGCGGGCCGGAGGCACAGGGCTGGAGCGAGGTGTGGCCGG[C>T]GTGCCAGGTAAGGGGCAGGTGGCCAGGAGTGGGGATGAAGTCAGGGCAGCCAGTGTGAGG-3'
Protein context (NP_001449.3, residues 2320-2340): GGTGLERGVA[Gly2330=]VPAEFSIWTR